The following is an entry in ClinVar:

ClinVar aggregate classification (germline): Likely pathogenic (1 of 4 stars; one submission).

Conditions:
Polyglandular autoimmune syndrome, type 1 (APS1). Also called: Autoimmune polyendocrinopathy syndrome , type I, with or without reversible metaphyseal dysplasia; Autoimmune polyendocrinopathy syndrome, type I; Whitaker syndrome; AUTOIMMUNE POLYENDOCRINE SYNDROME, TYPE I, WITH OR WITHOUT REVERSIBLE METAPHYSEAL DYSPLASIA; APS I; HYPOADRENOCORTICISM WITH HYPOPARATHYROIDISM AND SUPERFICIAL MONILIASIS. Identifiers: Orphanet 3453, MedGen C0085859, MONDO:0009411, OMIM 240300.

Submission:

Natera, Inc.
Classification: Likely pathogenic for Polyglandular autoimmune syndrome type 1. Last evaluated: 2025-02-24. Review status: criteria provided, single submitter. Criteria: Natera Variant Classification Schema (03/2026). Collection method: clinical testing. Allele origin: germline.
Comment: The c.1503+2T>G variant in AIRE is a canonical splice donor site variant predicted to affect pre-mRNA splicing, which may result in an abnormal transcript and altered protein product. This variant is expected to result in nonsense mediated decay, truncation, or a dysfunctional protein product. This variant is rare in the general population with a frequency below the threshold expected for the associated phenotype(s). Given the available evidence, this variant is classified as Likely Pathogenic.

NM_000383.4(AIRE):c.1503+2T>G

Gene: AIRE (autoimmune regulator; plus strand). Cytogenetic location: 21q22.3.
Variant type: single nucleotide variant.
Coding change: c.1503+2T>G on transcript NM_000383.4 (MANE Select); the canonical splice donor site of the intron after coding-DNA position 1503, T replaced by G.
Molecular consequence: splice donor variant.
Genome position (GRCh38, 1-based): chr21:44,294,505, T>G. VCF-style: chr21-44294505-T-G. GRCh37 (hg19) VCF-style: chr21-45714388-T-G.
Identifiers: ClinVar variation 4069452 (VCV004069452.2).
Genomic context (GRCh38, chr21:44,294,505, plus strand): 5'-CCCCTGTGGAGGGGGTGCTGGCCCCCAGCCCCGCCCGCCTGGCCCCTGGGCCTGCCAAGG[T>G]CAGTGCCGCAGGGGCCCTCCATGCATGCCGGTGCTGGGGGTGGGGAACCCCTTGGGTTGG-3'